The following is an entry in ClinVar:

NM_024665.7(TBL1XR1):c.327A>T (p.Ala109=)

Gene: TBL1XR1 (TBL1X/Y related 1; minus strand). Cytogenetic location: 3q26.32.
Variant type: single nucleotide variant.
Coding change: c.327A>T on transcript NM_024665.7 (MANE Select); coding-DNA position 327, A replaced by T.
Protein change: p.Ala109=; no amino-acid change (alanine 109 retained).
Molecular consequence: synonymous variant.
Genome position (GRCh38, 1-based): chr3:177,051,604, T>A on the plus strand (A>T on the coding strand, the complement: TBL1XR1 is on the minus strand). VCF-style: chr3-177051604-T-A. GRCh37 (hg19) VCF-style: chr3-176769392-T-A.
Other names: c.327A>T, p.Ala109= (NM_001321193.3, NM_001321194.3, NM_001374327.1 and 2 more transcripts); c.66A>T, p.Ala22= (NM_001321195.3, NM_001374330.1).
Identifiers: ClinVar variation 2654285 (VCV002654285.24), dbSNP rs759930730, ClinGen allele CA2710011.
Genomic context (GRCh38, chr3:177,051,604, plus strand): 5'-GTTTTCTCCATTTTTTGCAGATCCTTGTTGGCTGGCTGCAGCTGCGGCAGCTGCAGCAGC[T>A]GCTGCCTGTTGCTGTGCAAGCTTATCTCTATAAGCTTGTTGTCTTGTTTGTACTACATCA-3'
Protein context (NP_078941.2, residues 99-119): YRDKLAQQQA[Ala109=]AAAAAAAAAS

ClinVar aggregate classification (germline): Likely benign (1 of 4 stars; one submission).

Allele frequency attached by ClinVar (database versions not stated): ExAC 0.00002; TOPMed below 0.00001; gnomAD 0.00001; gnomAD exomes 0.00001.
gnomAD v4.1: 17 of 1,613,426 alleles (0.0011%); highest among the groups gnomAD compares: Non-Finnish European, 0.0014%; no homozygotes.

Submission:

CeGaT Center for Human Genetics Tuebingen
Classification: Likely benign. Last evaluated: 2023-09-01. Review status: criteria provided, single submitter. Criteria: CeGaT Center For Human Genetics Tuebingen Variant Classification Criteria Version 2. Collection method: clinical testing. Allele origin: germline. Affected: yes. Observed: 1 variant allele.
Comment: TBL1XR1: BP4, BP7